The following is an entry in ClinVar:

ClinVar aggregate classification (germline): Pathogenic/Likely pathogenic. Review status: criteria provided, multiple submitters, no conflicts (2 of 4 stars). 3 submissions from 3 submitters: Pathogenic (1); Likely pathogenic (2). Last evaluated 2022-08-16.

Conditions:
Arrhythmogenic right ventricular dysplasia 9 (ARVD9). Also called: ARRHYTHMOGENIC RIGHT VENTRICULAR DYSPLASIA, FAMILIAL, 9; Arrhythmogenic Right Ventricular Dysplasia/Cardiomyopathy 9. Identifiers: MedGen C1836906, MONDO:0012180, OMIM 609040.

Submissions (3):

Labcorp Genetics (formerly Invitae), Labcorp
Classification: Pathogenic for Arrhythmogenic right ventricular dysplasia 9. Last evaluated: 2022-08-16. Review status: criteria provided, single submitter. Criteria: Invitae Variant Classification Sherloc (09022015). Collection method: clinical testing. Allele origin: germline.
Comment: This variant is present in population databases (no rsID available, gnomAD 0.006%). This premature translational stop signal has been observed in individuals with arrhythmogenic right ventricular cardiomyopathy (PMID: 19427443, 24125834; Invitae). ClinVar contains an entry for this variant (Variation ID: 464426). For these reasons, this variant has been classified as Pathogenic. This sequence change creates a premature translational stop signal (p.Glu852Asnfs*79) in the PKP2 gene. While this is not anticipated to result in nonsense mediated decay, it is expected to disrupt the last 30 amino acid(s) of the PKP2 protein.

Stanford Center for Inherited Cardiovascular Disease, Stanford University
Classification: Likely pathogenic. Last evaluated: 2017-07-31. Review status: criteria provided, single submitter. Criteria: ACMG Guidelines, 2015. Collection method: provider interpretation. Allele origin: germline.

Juno Genomics, Hangzhou Juno Genomics, Inc
Classification: Likely pathogenic for Arrhythmogenic right ventricular dysplasia 9. Review status: criteria provided, single submitter. Criteria: ACMG Guidelines, 2015. Collection method: clinical testing. Allele origin: germline.
Comment: Absent from controls (or at extremely low frequency if recessive) in Genome Aggregation Database.;Protein length changes due to in-frame deletions/insertions in a non-repeat region or stop-loss variants.;The prevalence of the variant in affected individuals is significantly increased compared to the prevalence in controls.;Patient's phenotype or family history is highly specific for a disease with a single genetic etiology.

Literature cited by the submitters: PubMed 19427443 (cited by Labcorp Genetics (formerly Invitae), Labcorp); PubMed 24125834 (cited by Labcorp Genetics (formerly Invitae), Labcorp).

NM_001005242.3(PKP2):c.2422del (p.Glu808fs)

Gene: PKP2 (plakophilin 2; minus strand). Cytogenetic location: 12p11.21.
Variant type: Deletion.
Coding change: c.2422del on transcript NM_001005242.3 (MANE Select); coding-DNA position 2422, one base deleted (G; older notation c.2422delG).
Protein change: p.Glu808fs; shifts the reading frame from glutamic acid 808.
Molecular consequence: frameshift variant.
Genome position (GRCh38, 1-based): chr12:32,792,667, C deleted on the plus strand (G on the coding strand, the reverse complement: PKP2 is on the minus strand); the first of 2 consecutive C bases (chr12:32,792,667-32,792,668); deleting either gives the same sequence. VCF-style (leftmost placement, unchanged base first): chr12-32792666-TC-T. GRCh37 (hg19) VCF-style: chr12-32945600-TC-T.
Other names: c.2554delG (NM_004572.3); c.2554del, p.Glu852fs (NM_004572.4); short protein forms E852fs, E808fs.
Identifiers: ClinVar variation 464426 (VCV000464426.14), dbSNP rs1353074803, ClinGen allele CA604480594.